The following is an entry in ClinVar:

ClinVar aggregate classification (germline): Uncertain significance (1 of 4 stars; one submission).

Conditions:
Autosomal dominant polycystic kidney disease. Identifiers: Orphanet 730, MedGen C0085413, MONDO:0004691.

Allele frequency attached by ClinVar (database versions not stated): ExAC 0.00001; gnomAD 0.00002; gnomAD exomes 0.00002; TOPMed 0.00002.
gnomAD v4.1: 26 of 1,613,944 alleles (0.0016%); highest among the groups gnomAD compares: Non-Finnish European, 0.0019%; no homozygotes.

Submission:

Labcorp Genetics (formerly Invitae), Labcorp
Classification: Uncertain significance for Autosomal dominant polycystic kidney disease. Last evaluated: 2026-01-24. Review status: criteria provided, single submitter. Criteria: Invitae Variant Classification Sherloc (09022015). Collection method: clinical testing. Allele origin: germline.
Comment: This sequence change replaces serine, which is neutral and polar, with cysteine, which is neutral and slightly polar, at codon 852 of the PKD2 protein (p.Ser852Cys). This variant is present in population databases (rs773003992, gnomAD 0.004%). This variant has not been reported in the literature in individuals affected with PKD2-related conditions. ClinVar contains an entry for this variant (Variation ID: 1060071). Invitae Evidence Modeling of protein sequence and biophysical properties (such as structural, functional, and spatial information, amino acid conservation, physicochemical variation, residue mobility, and thermodynamic stability) has been performed for this missense variant. However, the output from this modeling did not meet the statistical confidence thresholds required to predict the impact of this variant on PKD2 protein function. In summary, the available evidence is currently insufficient to determine the role of this variant in disease. Therefore, it has been classified as a Variant of Uncertain Significance.

NM_000297.4(PKD2):c.2555C>G (p.Ser852Cys)

Gene: PKD2 (polycystin 2, transient receptor potential cation channel; plus strand). Cytogenetic location: 4q22.1.
Variant type: single nucleotide variant.
Coding change: c.2555C>G on transcript NM_000297.4 (MANE Select); coding-DNA position 2555, C replaced by G.
Protein change: p.Ser852Cys; replaces serine 852 with cysteine.
Molecular consequence: missense variant. On other transcripts: non-coding transcript variant (1).
Genome position (GRCh38, 1-based): chr4:88,074,844, C>G. VCF-style: chr4-88074844-C-G. GRCh37 (hg19) VCF-style: chr4-88995996-C-G.
Other names: short protein forms S852C.
Identifiers: ClinVar variation 1060071 (VCV001060071.9), dbSNP rs773003992, ClinGen allele CA3004290.